The following is an entry in ClinVar:

ClinVar aggregate classification (germline): Uncertain significance. Review status: criteria provided, multiple submitters, no conflicts (2 of 4 stars). 4 submissions from 4 submitters: Uncertain significance (3). 1 of the submissions does not count toward it. Last evaluated 2023-03-01.

Conditions:
Inborn genetic diseases. Identifiers: MedGen C0950123, MeSH D030342.
Athabaskan severe combined immunodeficiency (SCIDA). Also called: Severe combined immunodeficiency, athabascan-type. Identifiers: MedGen C1865370.
Severe combined immunodeficiency due to DCLRE1C deficiency (RS-SCID). Also called: SCID, AUTOSOMAL RECESSIVE, T CELL-NEGATIVE, B CELL-NEGATIVE, NK CELL-POSITIVE, WITH SENSITIVITY TO IONIZING RADIATION. Identifiers: Orphanet 275, MedGen C1865371, MONDO:0011225, OMIM 602450.
Histiocytic medullary reticulosis. Also called: Omenn syndrome; SEVERE COMBINED IMMUNODEFICIENCY WITH HYPEREOSINOPHILIA. Identifiers: Orphanet 39041, MedGen C2700553, MONDO:0011338, OMIM 603554.

Allele frequency attached by ClinVar (database versions not stated): gnomAD 0.00003 and below 0.00001; 1000 Genomes Project 0.00020; ExAC 0.00006; gnomAD exomes 0.00004 and 0.00006; 1000 Genomes Project 30x 0.00031.
gnomAD v4.1: 56 of 1,614,112 alleles (0.0035%); highest among the groups gnomAD compares: South Asian, 0.059%; no homozygotes.

Submissions (4):

Ambry Genetics
Classification: Uncertain significance for Inborn genetic diseases. Last evaluated: 2023-03-01. Review status: criteria provided, single submitter. Criteria: Ambry Variant Classification Scheme 2023. Collection method: clinical testing. Allele origin: germline.

Labcorp Genetics (formerly Invitae), Labcorp
Classification: Uncertain significance for Athabaskan severe combined immunodeficiency. Last evaluated: 2021-08-24. Review status: criteria provided, single submitter. Criteria: Invitae Variant Classification Sherloc (09022015). Collection method: clinical testing. Allele origin: germline.
Comment: This sequence change replaces proline with leucine at codon 519 of the DCLRE1C protein (p.Pro519Leu). The proline residue is moderately conserved and there is a moderate physicochemical difference between proline and leucine. This variant is present in population databases (rs542791233, ExAC 0.04%). This variant has not been reported in the literature in individuals affected with DCLRE1C-related conditions. ClinVar contains an entry for this variant (Variation ID: 625928). Algorithms developed to predict the effect of missense changes on protein structure and function are either unavailable or do not agree on the potential impact of this missense change (SIFT: "Tolerated"; PolyPhen-2: "Probably Damaging"; Align-GVGD: "Class C0"). In summary, the available evidence is currently insufficient to determine the role of this variant in disease. Therefore, it has been classified as a Variant of Uncertain Significance.

Center for Genomics, Ann and Robert H. Lurie Children's Hospital of Chicago
Classification: Uncertain significance for Severe combined immunodeficiency due to DCLRE1C deficiency; Histiocytic medullary reticulosis. Review status: criteria provided, single submitter. Criteria: ACMG Guidelines, 2015. Collection method: clinical testing. Allele origin: germline.
Comment: DCLRE1C NM_001033855.2 exon14 p.Pro519Leu (c.1556C>T):This variant has not been reported in the literature but is present in 15/30778 South Asian alleles in the Genome Aggregation Database. Evolutionary conservation and computational predictive tools suggest that this variant may impact the protein. Therefore, the clinical significance of this variant is uncertain

Natera, Inc.
Classification: Uncertain significance for Athabascan severe combined immunodeficiency. Last evaluated: 2020-07-20. Review status: no assertion criteria provided. Collection method: clinical testing. Allele origin: germline. Not counted in ClinVar's aggregate classification.

NM_001033855.3(DCLRE1C):c.1556C>T (p.Pro519Leu)

Gene: DCLRE1C (DNA cross-link repair 1C; minus strand). Cytogenetic location: 10p13.
Variant type: single nucleotide variant.
Coding change: c.1556C>T on transcript NM_001033855.3 (MANE Select); coding-DNA position 1556, C replaced by T.
Protein change: p.Pro519Leu; replaces proline 519 with leucine.
Molecular consequence: missense variant. On other transcripts: non-coding transcript variant (4).
Genome position (GRCh38, 1-based): chr10:14,908,931, G>A on the plus strand (C>T on the coding strand, the complement: DCLRE1C is on the minus strand). VCF-style: chr10-14908931-G-A. GRCh37 (hg19) VCF-style: chr10-14950930-G-A.
Other names: c.1196C>T, p.Pro399Leu (NM_001033857.3, NM_001033858.3, NM_001289077.2 and 2 more transcripts); c.1211C>T, p.Pro404Leu (NM_001289076.2, NM_001289078.2, NM_001350966.2 and 1 more transcripts); c.1556C>T, p.Pro519Leu (NM_001350965.2); c.1556C>T (NM_001033855.1); short protein forms P519L, P404L, P399L.
Identifiers: ClinVar variation 625928 (VCV000625928.8), dbSNP rs542791233, ClinGen allele CA5416457.
Genomic context (GRCh38, chr10:14,908,931, plus strand): 5'-TGGGAAGAATTCTGGGAGGAGATGTGAGTTGATTCTCCATCAGAGTCACTGAAAAGCTTT[G>A]GTGACTGAGATCCCCCTGCCACTGTGGAGGAAGGGAAGTTTTCCAAACTCTCATCTGTGA-3'
Protein context (NP_001029027.1, residues 509-529): SSTVAGGSQS[Pro519Leu]KLFSDSDGES